The following is an entry in ClinVar:

ClinVar aggregate classification (germline): Uncertain significance (1 of 4 stars; one submission).

Conditions:
Parkinson disease 13, autosomal dominant, susceptibility to. Identifiers: Orphanet 2828, MedGen C1853202, MONDO:0012466, OMIM 610297.

Allele frequency attached by ClinVar (database versions not stated): gnomAD 0.00041 and 0.00040; 1000 Genomes Project 30x 0.00016; TOPMed 0.00034; gnomAD exomes 0.00047; ExAC 0.00058.
gnomAD v4.1: 701 of 1,552,318 alleles (0.045%); highest among the groups gnomAD compares: Non-Finnish European, 0.05%; no homozygotes.

Submission:

Illumina Laboratory Services, Illumina
Classification: Uncertain significance for Parkinson disease 13, autosomal dominant, susceptibility to. Last evaluated: 2017-04-27. Review status: criteria provided, single submitter. Criteria: ICSL Variant Classification Criteria 13 December 2019. Collection method: clinical testing. Allele origin: germline.
Comment: This variant was observed as part of a predisposition screen in an ostensibly healthy population. A literature search was performed for the gene, cDNA change, and amino acid change (where applicable). Publications were found based on this search. However, the evidence from the literature, in combination with allele frequency data from public databases where available, was not sufficient to rule this variant in or out of causing disease. Therefore, this variant is classified as a variant of unknown significance.

Literature cited by the submitters: PubMed 18401856.

NM_013247.4(HTRA2):c.-361G>A

Genes: AUP1 (AUP1 lipid droplet regulating VLDL assembly factor; minus strand), HTRA2 (HtrA serine peptidase 2; plus strand). Cytogenetic location: 2p13.1.
Variant type: single nucleotide variant.
Coding change: c.-361G>A on transcript NM_013247.4; 361 bases upstream of the start codon, G replaced by A.
Molecular consequence: 5 prime UTR variant (on NM_181575.5). On other transcripts: non-coding transcript variant (6).
Genome position (GRCh38, 1-based): chr2:74,529,646, G>A. VCF-style: chr2-74529646-G-A. GRCh37 (hg19) VCF-style: chr2-74756773-G-A.
Other names: c.-361G>A (NM_001321727.1, NM_001321728.1, NM_145074.2); c.-17C>T (NM_181575.5).
Identifiers: ClinVar variation 896015 (VCV000896015.6), dbSNP rs757541077, ClinGen allele CA1728237.
Genomic context (GRCh38, chr2:74,529,646, plus strand): 5'-GAGTCAAAGAGCCGCTCCGGCCCCGGCCCTGAGGGAAGCTCCATAACTGCTGCTTCAGGA[G>A]CGCCCGGCCGTCGCCGCCGCCGCCATTTTCGCGCCCGGCCGCAGGGGCTCTTGGGAAGGC-3'